The following is an entry in ClinVar:

NM_001035.3(RYR2):c.9680G>A (p.Arg3227His)

Gene: RYR2 (ryanodine receptor 2; plus strand). Cytogenetic location: 1q43.
Variant type: single nucleotide variant.
Coding change: c.9680G>A on transcript NM_001035.3 (MANE Select); coding-DNA position 9680, G replaced by A.
Protein change: p.Arg3227His; replaces arginine 3227 with histidine.
Molecular consequence: missense variant.
Genome position (GRCh38, 1-based): chr1:237,707,048, G>A. VCF-style: chr1-237707048-G-A. GRCh37 (hg19) VCF-style: chr1-237870348-G-A.
Other names: short protein forms R3227H.
Identifiers: ClinVar variation 1040492 (VCV001040492.18), dbSNP rs755897867, ClinGen allele CA087944.

ClinVar aggregate classification (germline): Conflicting classifications of pathogenicity. Review status: criteria provided, conflicting classifications (1 of 4 stars). 6 submissions from 6 submitters: Uncertain significance (5); Likely benign (1). Last evaluated 2025-12-16.

Conditions:
Catecholaminergic polymorphic ventricular tachycardia 1. Also called: RYR2-Related Catecholaminergic Polymorphic Ventricular Tachycardia; VENTRICULAR TACHYCARDIA, STRESS-INDUCED POLYMORPHIC 1; VENTRICULAR TACHYCARDIA, CATECHOLAMINERGIC POLYMORPHIC, 1, WITH OR WITHOUT ATRIAL DYSFUNCTION AND/OR DILATED CARDIOMYOPATHY. Identifiers: Orphanet 3286, MedGen C1631597, MONDO:0011484, OMIM 604772.
Ventricular arrhythmias due to cardiac ryanodine receptor calcium release deficiency syndrome. Also called: Autosomal dominant cardiac arrhythmia (Kuhn). Identifiers: MedGen C5542154, MONDO:0020745, OMIM 115000.
Cardiovascular phenotype. Identifiers: MedGen CN230736.
Cardiomyopathy (CMYO). Also called: Cardiomyopathies. Identifiers: Orphanet 167848, MedGen C0878544, MONDO:0004994, HP:0001638. Inheritance: Various modes of inheritance.

Allele frequency attached by ClinVar (database versions not stated): gnomAD exomes below 0.00001; ExAC 0.00001; gnomAD 0.00001; TOPMed 0.00002.
gnomAD v4.1: 12 of 1,613,696 alleles (0.00074%); highest among the groups gnomAD compares: East Asian, 0.0022%; no homozygotes.

Submissions (6):

Labcorp Genetics (formerly Invitae), Labcorp
Classification: Uncertain significance for Catecholaminergic polymorphic ventricular tachycardia 1. Last evaluated: 2025-12-16. Review status: criteria provided, single submitter. Criteria: Invitae Variant Classification Sherloc (09022015). Collection method: clinical testing. Allele origin: germline.
Comment: This sequence change replaces arginine, which is basic and polar, with histidine, which is basic and polar, at codon 3227 of the RYR2 protein (p.Arg3227His). This variant is present in population databases (rs755897867, gnomAD 0.003%). This missense change has been observed in individual(s) with sudden infant death (PMID: 38895864). ClinVar contains an entry for this variant (Variation ID: 1040492). Invitae Evidence Modeling of protein sequence and biophysical properties (such as structural, functional, and spatial information, amino acid conservation, physicochemical variation, residue mobility, and thermodynamic stability) indicates that this missense variant is not expected to disrupt RYR2 protein function with a negative predictive value of 95%. In summary, the available evidence is currently insufficient to determine the role of this variant in disease. Therefore, it has been classified as a Variant of Uncertain Significance.

Color Diagnostics, LLC DBA Color Health
Classification: Uncertain significance for Cardiomyopathy. Last evaluated: 2025-09-09. Review status: criteria provided, single submitter. Criteria: ACMG Guidelines, 2015. Collection method: clinical testing. Allele origin: germline.
Comment: This missense variant replaces arginine with histidine at codon 3227 of the RYR2 protein. Computational prediction suggests that this variant may not impact protein structure and function. To our knowledge, functional studies have not been reported for this variant. This variant has been reported in an individual affected with sudden infant death (PMID: 38895864). This variant has been identified in 2/280488 chromosomes in the general population by the Genome Aggregation Database (gnomAD). The available evidence is insufficient to determine the role of this variant in disease conclusively. Therefore, this variant is classified as a Variant of Uncertain Significance.

Ambry Genetics
Classification: Uncertain significance for Cardiovascular phenotype. Last evaluated: 2024-10-21. Review status: criteria provided, single submitter. Criteria: Ambry Variant Classification Scheme 2023. Collection method: clinical testing. Allele origin: germline.
Comment: The p.R3227H variant (also known as c.9680G>A), located in coding exon 68 of the RYR2 gene, results from a G to A substitution at nucleotide position 9680. The arginine at codon 3227 is replaced by histidine, an amino acid with highly similar properties. This amino acid position is highly conserved in available vertebrate species. In addition, this alteration is predicted to be tolerated by in silico analysis. Based on the available evidence, the clinical significance of this variant remains unclear.

Fulgent Genetics
Classification: Uncertain significance for Ventricular arrhythmias due to cardiac ryanodine receptor calcium release deficiency syndrome; Catecholaminergic polymorphic ventricular tachycardia 1. Last evaluated: 2024-06-05. Review status: criteria provided, single submitter. Criteria: ACMG Guidelines, 2015. Collection method: clinical testing. Allele origin: germline.

GeneDx
Classification: Uncertain significance. Last evaluated: 2023-06-12. Review status: criteria provided, single submitter. Criteria: GeneDx Variant Classification Process June 2021. Collection method: clinical testing. Allele origin: germline. Affected: yes.
Comment: Has not been previously published as pathogenic or benign to our knowledge; Not observed at significant frequency in large population cohorts (gnomAD); In silico analysis supports that this missense variant has a deleterious effect on protein structure/function; Not located in one of the three hot-spot regions of the RYR2 gene, where the majority of pathogenic missense variants occur (Medeiros-Domingo et al., 2009); This variant is associated with the following publications: (PMID: 19926015)

Blueprint Genetics
Classification: Likely benign. Last evaluated: 2022-10-21. Review status: criteria provided, single submitter. Criteria: ACMG Guidelines, 2015. Collection method: clinical testing. Allele origin: germline.

Literature cited by the submitters: PubMed 38895864 (cited by Labcorp Genetics (formerly Invitae), Labcorp and Color Diagnostics, LLC DBA Color Health).